The following is an entry in ClinVar:

NM_020988.3(GNAO1):c.871T>A (p.Tyr291Asn)

Gene: GNAO1 (G protein subunit alpha o1; plus strand). Cytogenetic location: 16q13.
Variant type: single nucleotide variant.
Coding change: c.871T>A on transcript NM_020988.3 (MANE Select); coding-DNA position 871, T replaced by A.
Protein change: p.Tyr291Asn; replaces tyrosine 291 with asparagine.
Molecular consequence: missense variant.
Genome position (GRCh38, 1-based): chr16:56,351,531, T>A. VCF-style: chr16-56351531-T-A. GRCh37 (hg19) VCF-style: chr16-56385443-T-A.
Other names: short protein forms Y291N.
Identifiers: ClinVar variation 421826 (VCV000421826.8), dbSNP rs1064795384, ClinGen allele CA16620214.

ClinVar aggregate classification (germline): Pathogenic/Likely pathogenic. Review status: criteria provided, multiple submitters, no conflicts (2 of 4 stars). 2 submissions from 2 submitters: Pathogenic (1); Likely pathogenic (1). Last evaluated 2021-08-05.

Conditions:
Early-infantile DEE. Also called: Early infantile epileptic encephalopathy; Ohtahara syndrome; Early infantile epileptic encephalopathy with suppression bursts. Identifiers: Orphanet 1934, MedGen C0393706, MONDO:0800491.

Submissions (2):

Labcorp Genetics (formerly Invitae), Labcorp
Classification: Pathogenic for Early-infantile DEE. Last evaluated: 2021-08-05. Review status: criteria provided, single submitter. Criteria: Invitae Variant Classification Sherloc (09022015). Collection method: clinical testing. Allele origin: germline.
Comment: For these reasons, this variant has been classified as Pathogenic. Advanced modeling of protein sequence and biophysical properties (such as structural, functional, and spatial information, amino acid conservation, physicochemical variation, residue mobility, and thermodynamic stability) performed at Invitae indicates that this missense variant is expected to disrupt GNAO1 protein function. ClinVar contains an entry for this variant (Variation ID: 421826). This missense change has been observed in individual(s) with developmental and epileptic encephalopathy (PMID: 30682224). In at least one individual the variant was observed to be de novo. This variant is not present in population databases (ExAC no frequency). This sequence change replaces tyrosine with asparagine at codon 291 of the GNAO1 protein (p.Tyr291Asn). The tyrosine residue is highly conserved and there is a large physicochemical difference between tyrosine and asparagine.

GeneDx
Classification: Likely pathogenic. Last evaluated: 2016-08-04. Review status: criteria provided, single submitter. Criteria: GeneDx Variant Classification (06012015). Collection method: clinical testing. Allele origin: germline. Affected: yes.
Comment: The Y291N variant has not been published as a pathogenic variant, nor has it been reported as a benign variant to our knowledge. It was not observed in approximately 6,500 individuals of European and African American ancestry in the NHLBI Exome Sequencing Project, indicating it is not a common benign variant in these populations. The Y291N variant is a semi-conservative amino acid substitution, which may impact secondary protein structure as these residues differ in some properties. This substitution occurs at a position that is conserved across species, and in silico analysis predicts this variant is probably damaging to the protein structure/function. Therefore, this variant is likely pathogenic.

Literature cited by the submitters: PubMed 30682224 (cited by Labcorp Genetics (formerly Invitae), Labcorp).